The following is an entry in ClinVar:

NM_025137.4(SPG11):c.1830G>C (p.Leu610Phe)

Gene: SPG11 (SPG11 vesicle trafficking associated, spatacsin; minus strand). Cytogenetic location: 15q21.1.
Variant type: single nucleotide variant.
Coding change: c.1830G>C on transcript NM_025137.4 (MANE Select); coding-DNA position 1830, G replaced by C.
Protein change: p.Leu610Phe; replaces leucine 610 with phenylalanine.
Molecular consequence: missense variant.
Genome position (GRCh38, 1-based): chr15:44,629,294, C>G on the plus strand (G>C on the coding strand, the complement: SPG11 is on the minus strand). VCF-style: chr15-44629294-C-G. GRCh37 (hg19) VCF-style: chr15-44921492-C-G.
Other names: c.1830G>C, p.Leu610Phe (NM_001160227.2); short protein forms L610F.
Identifiers: ClinVar variation 1434837 (VCV001434837.5), dbSNP rs1269762029, ClinGen allele CA392234593.
Genomic context (GRCh38, chr15:44,629,294, plus strand): 5'-TTCAGTGTGAATGAAAAGCTCCTTTATTTGGTTGTTAAGGAAAGACAGTGTAAGATTAAG[C>G]AATTGTTCTGAAAAGTGTTTGCTTTGGGGTTCAGAATAACTTTCTCTAATTGCCGAGCAA-3'
Protein context (NP_079413.3, residues 600-620): EPQSKHFSEQ[Leu610Phe]LNLTLSFLNN

ClinVar aggregate classification (germline): Uncertain significance (1 of 4 stars; one submission).

Conditions:
Hereditary spastic paraplegia 11. Also called: Spastic Paraplegia 11; Spastic paraplegia, mental retardation and thin corpus callosum; SPASTIC PARAPLEGIA, AUTOSOMAL RECESSIVE, COMPLICATED, WITH THIN CORPUS CALLOSUM; SPASTIC PARAPLEGIA, AUTOSOMAL RECESSIVE, WITH MENTAL IMPAIRMENT AND THIN CORPUS CALLOSUM; Nakamura Osame syndrome; Autosomal recessive hereditary spastic paraplegia, mental impairment, and thin corpus callosum. Identifiers: Orphanet 2822, MedGen C1858479, MONDO:0011445, OMIM 604360.

Allele frequency attached by ClinVar (database versions not stated): gnomAD exomes below 0.00001 and 0.00001; gnomAD 0.00001.
gnomAD v4.1: 13 of 1,613,966 alleles (0.00081%); highest among the groups gnomAD compares: Non-Finnish European, 0.0011%; no homozygotes.

Submission:

Labcorp Genetics (formerly Invitae), Labcorp
Classification: Uncertain significance for Hereditary spastic paraplegia 11. Last evaluated: 2021-08-28. Review status: criteria provided, single submitter. Criteria: Invitae Variant Classification Sherloc (09022015). Collection method: clinical testing. Allele origin: germline.
Comment: This sequence change replaces leucine with phenylalanine at codon 610 of the SPG11 protein (p.Leu610Phe). The leucine residue is highly conserved and there is a small physicochemical difference between leucine and phenylalanine. This variant is not present in population databases (ExAC no frequency). This variant has not been reported in the literature in individuals affected with SPG11-related conditions. Algorithms developed to predict the effect of missense changes on protein structure and function are either unavailable or do not agree on the potential impact of this missense change (SIFT: "Tolerated"; PolyPhen-2: "Probably Damaging"; Align-GVGD: "Class C0"). In summary, the available evidence is currently insufficient to determine the role of this variant in disease. Therefore, it has been classified as a Variant of Uncertain Significance.